The following is an entry in ClinVar:

ClinVar aggregate classification (germline): Uncertain significance (1 of 4 stars; one submission).

Conditions:
Compton-North congenital myopathy (CMYO12). Identifiers: Orphanet 210163, MedGen C2675527, MONDO:0012929, OMIM 612540.

Submission:

Labcorp Genetics (formerly Invitae), Labcorp
Classification: Uncertain significance for Compton-North congenital myopathy. Last evaluated: 2022-07-05. Review status: criteria provided, single submitter. Criteria: Invitae Variant Classification Sherloc (09022015). Collection method: clinical testing. Allele origin: germline.
Comment: In summary, the available evidence is currently insufficient to determine the role of this variant in disease. Therefore, it has been classified as a Variant of Uncertain Significance. This variant has not been reported in the literature in individuals affected with CNTN1-related conditions. This variant results in a copy number gain of the genomic region encompassing exon(s) 2-15 of the CNTN1 gene. This region includes the initiator codon of the gene. This copy number gain extends beyond the assayed region for this gene and therefore may encompass additional genes. As the precise location of this event is unknown, it may be in tandem or it may be located elsewhere in the genome.

NC_000012.11:g.(?_41302215)_(41365335_?)dup

Gene: CNTN1 (contactin 1; plus strand). Cytogenetic location: 12q12.
Variant type: Duplication.
Identifiers: ClinVar variation 469409 (VCV000469409.9).